The following is an entry in ClinVar:

ClinVar aggregate classification (germline): Benign/Likely benign. Review status: criteria provided, multiple submitters, no conflicts (2 of 4 stars). 2 submissions from 2 submitters: Benign (1); Likely benign (1). Last evaluated 2022-07-01.

Allele frequency attached by ClinVar (database versions not stated): gnomAD exomes 0.00010; gnomAD 0.00012; TOPMed 0.00013; ExAC 0.00015; ESP Exome Variant Server 0.00023.
gnomAD v4.1: 181 of 1,613,998 alleles (0.011%); highest among the groups gnomAD compares: Admixed American, 0.0067%; no homozygotes.

Submissions (2):

CeGaT Center for Human Genetics Tuebingen
Classification: Likely benign. Last evaluated: 2022-07-01. Review status: criteria provided, single submitter. Criteria: CeGaT Center For Human Genetics Tuebingen Variant Classification Criteria Version 2. Collection method: clinical testing. Allele origin: germline. Affected: yes. Observed: 1 variant allele.
Comment: TRAPPC12: BP4, BP7

Labcorp Genetics (formerly Invitae), Labcorp
Classification: Benign. Last evaluated: 2022-07-01. Review status: criteria provided, single submitter. Criteria: Invitae Variant Classification Sherloc (09022015). Collection method: clinical testing. Allele origin: germline.

NM_016030.6(TRAPPC12):c.1755C>T (p.Gly585=)

Gene: TRAPPC12 (trafficking protein particle complex subunit 12; plus strand). Cytogenetic location: 2p25.3.
Variant type: single nucleotide variant.
Coding change: c.1755C>T on transcript NM_016030.6 (MANE Select); coding-DNA position 1755, C replaced by T.
Protein change: p.Gly585=; no amino-acid change (glycine 585 retained).
Molecular consequence: synonymous variant.
Genome position (GRCh38, 1-based): chr2:3,465,674, C>T. VCF-style: chr2-3465674-C-T. GRCh37 (hg19) VCF-style: chr2-3469445-C-T.
Other names: c.1755C>T, p.Gly585= (NM_001321102.2).
Identifiers: ClinVar variation 2188469 (VCV002188469.28), dbSNP rs201362361, ClinGen allele CA1515614.